The following is an entry in ClinVar:

NM_007294.4(BRCA1):c.3480G>T (p.Lys1160Asn)

Genes: BRCA1 (BRCA1 DNA repair associated; minus strand), LOC126862571 (BRD4-independent group 4 enhancer GRCh37_chr17:41243136-41244335; plus strand). Cytogenetic location: 17q21.31.
Variant type: single nucleotide variant.
Coding change: c.3480G>T on transcript NM_007294.4 (MANE Select); coding-DNA position 3480, G replaced by T.
Protein change: p.Lys1160Asn; replaces lysine 1160 with asparagine.
Molecular consequence: missense variant. On other transcripts: intron variant (135).
Genome position (GRCh38, 1-based): chr17:43,092,051, C>A on the plus strand (G>T on the coding strand, the complement: BRCA1 is on the minus strand). VCF-style: chr17-43092051-C-A. GRCh37 (hg19) VCF-style: chr17-41244068-C-A.
Other names: c.3402G>T, p.Lys1134Asn (NM_001407657.1, NM_001407658.1, NM_001407663.1 and 4 more transcripts); c.3399G>T, p.Lys1133Asn (NM_001407659.1, NM_001407660.1, NM_001407661.1 and 1 more transcripts); c.3357G>T, p.Lys1119Asn (NM_001407664.1, NM_001407665.1, NM_001407666.1 and 19 more transcripts); c.3354G>T, p.Lys1118Asn (NM_001407670.1, NM_001407671.1, NM_001407672.1 and 11 more transcripts); c.3480G>T, p.Lys1160Asn (NM_001407684.1, NM_001407854.1, NM_001407858.1 and 30 more transcripts); c.3339G>T, p.Lys1113Asn (NM_001407692.1, NM_001407694.1, NM_001407695.1 and 29 more transcripts); c.3336G>T, p.Lys1112Asn (NM_001407740.1, NM_001407741.1, NM_001407742.1 and 20 more transcripts); c.3267G>T, p.Lys1089Asn (NM_001407853.1, NM_001407894.1, NM_001407895.1 and 9 more transcripts); and 41 more; short protein forms K1048N, K1092N, K1093N, K1119N, K1133N, K1033N, K1072N, K1112N.
Identifiers: ClinVar variation 3634650 (VCV003634650.2).
Genomic context (GRCh38, chr17:43,092,051, plus strand): 5'-GCTTTTGCTAAAAACAGCAGAACTTTCCTTAATGTCATTTTCAGCAAAACTAGTATCTTC[C>A]TTTATTTCACCATCATCTAACAGGTCATCAGGTGTCTCAGAACAAACCTGAGATGCATGA-3'
Protein context (NP_009225.1, residues 1150-1170): PDDLLDDGEI[Lys1160Asn]EDTSFAENDI

ClinVar aggregate classification (germline): Uncertain significance (1 of 4 stars; one submission).

Conditions:
Hereditary breast ovarian cancer syndrome. Also called: Hereditary breast and ovarian cancer syndrome; Hereditary breast and ovarian cancer syndrome (HBOC); BRCA1- and BRCA2-Associated Hereditary Breast and Ovarian Cancer; Hereditary breast and ovarian cancer; Breast and ovarian cancer; Hereditary breast and/or ovarian cancer syndrome. Identifiers: Orphanet 145, MedGen C0677776, MeSH D061325, MONDO:0003582. Disease mechanism: loss of function.

Submission:

Labcorp Genetics (formerly Invitae), Labcorp
Classification: Uncertain significance for Hereditary breast ovarian cancer syndrome. Last evaluated: 2024-09-09. Review status: criteria provided, single submitter. Criteria: Invitae Variant Classification Sherloc (09022015). Collection method: clinical testing. Allele origin: germline.
Comment: This sequence change replaces lysine, which is basic and polar, with asparagine, which is neutral and polar, at codon 1160 of the BRCA1 protein (p.Lys1160Asn). This variant is not present in population databases (gnomAD no frequency). This variant has not been reported in the literature in individuals affected with BRCA1-related conditions. Invitae Evidence Modeling of protein sequence and biophysical properties (such as structural, functional, and spatial information, amino acid conservation, physicochemical variation, residue mobility, and thermodynamic stability) indicates that this missense variant is not expected to disrupt BRCA1 protein function with a negative predictive value of 95%. In summary, the available evidence is currently insufficient to determine the role of this variant in disease. Therefore, it has been classified as a Variant of Uncertain Significance.